The following is an entry in ClinVar:

ClinVar aggregate classification (germline): Benign/Likely benign. Review status: criteria provided, multiple submitters, no conflicts (2 of 4 stars). 19 submissions from 18 submitters: Benign (3); Likely benign (12). 4 of the submissions do not count toward it. Last evaluated 2026-09-01.

Conditions:
Charcot-Marie-Tooth disease type 2A2. Also called: CHARCOT-MARIE-TOOTH DISEASE, NEURONAL, TYPE 2A2; HEREDITARY MOTOR AND SENSORY NEUROPATHY IIA2; HMSN IIA2; CHARCOT-MARIE-TOOTH DISEASE, AXONAL, TYPE 2A2; CHARCOT-MARIE-TOOTH DISEASE, AXONAL, AUTOSOMAL DOMINANT, TYPE 2A2A; Charcot-Marie-Tooth Neuropathy Type 2A2. Identifiers: Orphanet 99947, MedGen C4721887, MONDO:0012231, OMIM 609260.
Charcot-Marie-Tooth disease, axonal, autosomal recessive, type 2a2b;. Also called: Charcot-Marie-Tooth disease, axonal, type 2A2B; Charcot-Marie-Tooth disease, axonal, autosomal recessive, type 2A2B. Identifiers: MedGen C4310725, MONDO:0014906, OMIM 617087.
Neuropathy, hereditary motor and sensory, type 6A (HMSN6A). Also called: NEUROPATHY, HEREDITARY MOTOR AND SENSORY, TYPE VIA, WITH OPTIC ATROPHY; HMSN VIA; CHARCOT-MARIE-TOOTH DISEASE, TYPE 6A; NEUROPATHY, HEREDITARY MOTOR AND SENSORY, TYPE VIA. Identifiers: MedGen CN305336, MONDO:0011002, OMIM 601152.
Inborn genetic diseases. Identifiers: MedGen C0950123, MeSH D030342.
Charcot-Marie-Tooth disease. Also called: Charcot-Marie-Tooth Hereditary Neuropathy; Charcot-Marie-Tooth Neuropathy. Identifiers: Orphanet 166, MedGen C0007959, MONDO:0015626.
Charcot-Marie-Tooth disease type 2. Also called: Charcot-Marie-Tooth type 2. Identifiers: Orphanet 64746, MedGen C0270914, MONDO:0018993.
Hereditary motor and sensory neuropathy with optic atrophy. Also called: CHARCOT-MARIE-TOOTH DISEASE, TYPE 6; PERIPHERAL NEUROPATHY AND OPTIC ATROPHY. Identifiers: Orphanet 90120, MedGen C0393807, MONDO:0019551.

Allele frequency attached by ClinVar (database versions not stated): 1000 Genomes Project 0.00100; 1000 Genomes Project 30x 0.00125; ExAC 0.00206; gnomAD exomes 0.00212 and 0.00403; gnomAD 0.00218 and 0.00221; TOPMed 0.00236; ESP Exome Variant Server 0.00361.
gnomAD v4.1: 6,225 of 1,614,002 alleles (0.39%); highest among the groups gnomAD compares: Non-Finnish European, 0.48%; 18 homozygotes.

Submissions (19):

CeGaT Center for Human Genetics Tuebingen
Classification: Likely benign. Last evaluated: 2026-09-01. Review status: criteria provided, single submitter. Criteria: CeGaT Center For Human Genetics Tuebingen Variant Classification Criteria Version 2. Collection method: clinical testing. Allele origin: germline. Affected: yes. Observed: 31 variant alleles.
Comment: MFN2: BS2

Labcorp Genetics (formerly Invitae), Labcorp
Classification: Benign for Charcot-Marie-Tooth disease type 2. Last evaluated: 2026-02-03. Review status: criteria provided, single submitter. Criteria: Invitae Variant Classification Sherloc (09022015). Collection method: clinical testing. Allele origin: germline.

ARUP Laboratories, Molecular Genetics and Genomics, ARUP Laboratories
Classification: Likely benign. Last evaluated: 2025-07-17. Review status: criteria provided, single submitter. Criteria: ARUP Molecular Germline Variant Investigation Process 2024. Collection method: clinical testing. Allele origin: germline.

Athena Diagnostics
Classification: Benign. Last evaluated: 2025-03-28. Review status: criteria provided, single submitter. Criteria: Athena Diagnostics Criteria. Collection method: clinical testing. Allele origin: unknown.
Comment: The frequency of this variant in the general population is higher than would generally be expected for pathogenic variants in this gene.

Blueprint Genetics
Classification: Likely benign. Last evaluated: 2024-11-26. Review status: criteria provided, single submitter. Criteria: ACMG Guidelines, 2015. Collection method: clinical testing. Allele origin: germline.

Fulgent Genetics
Classification: Likely benign for Neuropathy, hereditary motor and sensory, type 6A; Charcot-Marie-Tooth disease type 2A2; Charcot-Marie-Tooth disease, axonal, autosomal recessive, type 2a2b;. Last evaluated: 2021-11-21. Review status: criteria provided, single submitter. Criteria: ACMG Guidelines, 2015. Collection method: clinical testing. Allele origin: unknown.

GeneDx
Classification: Likely benign. Last evaluated: 2021-06-07. Review status: criteria provided, single submitter. Criteria: GeneDx Variant Classification Process June 2021. Collection method: clinical testing. Allele origin: germline. Affected: yes.
Comment: This variant is associated with the following publications: (PMID: 27582484, 26143526, 16043786, 24450158, 22492563, 19889647)

Mayo Clinic Laboratories, Mayo Clinic
Classification: Benign. Last evaluated: 2020-01-24. Review status: criteria provided, single submitter. Criteria: ACMG Guidelines, 2015. Collection method: clinical testing. Allele origin: germline. Observed: 16 variant alleles.

Ambry Genetics
Classification: Likely benign for Inborn genetic diseases. Last evaluated: 2019-09-17. Review status: criteria provided, single submitter. Criteria: Ambry Variant Classification Scheme 2023. Collection method: clinical testing. Allele origin: germline.

Mendelics
Classification: Likely benign for Charcot-Marie-Tooth disease type 2A2. Last evaluated: 2019-05-28. Review status: criteria provided, single submitter. Criteria: Mendelics Assertion Criteria 2017. Collection method: clinical testing. Allele origin: unknown.

Illumina Laboratory Services, Illumina
Classification: Likely benign for Neuropathy, hereditary motor and sensory, type 6A. Last evaluated: 2017-04-27. Review status: criteria provided, single submitter. Criteria: ICSL Variant Classification Criteria 13 December 2019. Collection method: clinical testing. Allele origin: germline.
Comment: This variant was observed as part of a predisposition screen in an ostensibly healthy population. A literature search was performed for the gene, cDNA change, and amino acid change (where applicable). Publications were found based on this search. The evidence from the literature, in combination with allele frequency data from public databases where available, was sufficient to determine this variant is unlikely to cause disease. Therefore, this variant is classified as likely benign.

Illumina Laboratory Services, Illumina
Classification: Likely benign for Charcot-Marie-Tooth disease, type 2. Last evaluated: 2017-04-27. Review status: criteria provided, single submitter. Criteria: ICSL Variant Classification Criteria 13 December 2019. Collection method: clinical testing. Allele origin: germline.
Comment: the same text as in the submission from Illumina Laboratory Services, Illumina above.

Eurofins Ntd Llc (ga)
Classification: Likely benign. Last evaluated: 2014-12-02. Review status: criteria provided, single submitter. Criteria: EGL Classification Definitions 2015. Collection method: clinical testing. Allele origin: germline. Observed: 1 variant allele, 1 heterozygote.

Molecular Genetics Laboratory, London Health Sciences Centre
Classification: Likely benign for Charcot-Marie-Tooth disease. Review status: criteria provided, single submitter. Criteria: ACMG Guidelines, 2015. Collection method: clinical testing. Allele origin: germline. Affected: yes.

PreventionGenetics, part of Exact Sciences
Classification: Likely benign. Review status: criteria provided, single submitter. Criteria: ACMG Guidelines, 2015. Collection method: clinical testing. Allele origin: germline.

Solve-RD Consortium
Classification: Likely pathogenic for Charcot-Marie-Tooth disease type 2A2. Last evaluated: 2022-06-01. Review status: no assertion criteria provided. Collection method: provider interpretation. Allele origin: inherited. Affected: yes. Not counted in ClinVar's aggregate classification.
Comment: Variant confirmed as disease-causing by referring clinical team

Variant identified during reanalysis of unsolved cases by the Solve-RD project. The Solve-RD project has received funding from the European Union’s Horizon 2020 research and innovation programme under grant agreement No 779257.

Clinical Genetics DNA and cytogenetics Diagnostics Lab, Erasmus MC, Erasmus Medical Center
Classification: Likely benign. Review status: no assertion criteria provided. Collection method: clinical testing. Allele origin: germline. Affected: yes. Study: VKGL Data-share Consensus. Not counted in ClinVar's aggregate classification.

Clinical Genetics, Academic Medical Center
Classification: Benign. Review status: no assertion criteria provided. Collection method: clinical testing. Allele origin: germline. Affected: yes. Study: VKGL Data-share Consensus. Not counted in ClinVar's aggregate classification.

Genome Diagnostics Laboratory, University Medical Center Utrecht
Classification: Benign. Review status: no assertion criteria provided. Collection method: clinical testing. Allele origin: germline. Affected: yes. Study: VKGL Data-share Consensus. Not counted in ClinVar's aggregate classification.

Literature cited by the submitters: PubMed 33415332 (cited by Athena Diagnostics); PubMed 31372974 (cited by Athena Diagnostics); PubMed 16043786 (cited by 3 submitters); PubMed 19889647 (cited by Athena Diagnostics and Illumina Laboratory Services, Illumina); PubMed 24450158 (cited by Athena Diagnostics); PubMed 27582484 (cited by Athena Diagnostics); PubMed 22492563 (cited by Athena Diagnostics); PubMed 21576112 (cited by Illumina Laboratory Services, Illumina); PubMed 39825153 (cited by Solve-RD Consortium).

NM_014874.4(MFN2):c.892G>A (p.Gly298Arg)

Gene: MFN2 (mitofusin 2; plus strand). Cytogenetic location: 1p36.22.
Variant type: single nucleotide variant.
Coding change: c.892G>A on transcript NM_014874.4 (MANE Select); coding-DNA position 892, G replaced by A.
Protein change: p.Gly298Arg; replaces glycine 298 with arginine.
Molecular consequence: missense variant.
Genome position (GRCh38, 1-based): chr1:12,001,476, G>A. VCF-style: chr1-12001476-G-A. GRCh37 (hg19) VCF-style: chr1-12061533-G-A.
Other names: p.G298R:GGG>AGG; p.Gly298Arg; c.892G>A, p.Gly298Arg (NM_001127660.2); short protein forms G298R.
Identifiers: ClinVar variation 199133 (VCV000199133.79), dbSNP rs41278630, ClinGen allele CA303079.